The following is an entry in ClinVar:

NM_178857.6(RP1L1):c.523A>G (p.Thr175Ala)

Gene: RP1L1 (RP1 like 1). Cytogenetic location: 8p23.1.
Variant type: single nucleotide variant.
Coding change: c.523A>G on transcript NM_178857.6 (MANE Select); coding-DNA position 523, A replaced by G.
Protein change: p.Thr175Ala; replaces threonine 175 with alanine.
Molecular consequence: missense variant.
Genome position (GRCh38, 1-based): chr8:10,622,679, T>C on the plus strand (A>G on the coding strand, the complement: RP1L1 is on the minus strand). VCF-style: chr8-10622679-T-C. GRCh37 (hg19) VCF-style: chr8-10480189-T-C.
Other names: short protein forms T175A.
Identifiers: ClinVar variation 724148 (VCV000724148.15), dbSNP rs191773730, ClinGen allele CA4625659.

ClinVar aggregate classification (germline): Conflicting classifications of pathogenicity. Review status: criteria provided, conflicting classifications (1 of 4 stars). 4 submissions from 4 submitters: Uncertain significance (1); Likely benign (2). 1 of the submissions does not count toward it. Last evaluated 2026-01-05.

Conditions:
RP1L1-related disorder. Also called: RP1L1-related condition.
Inborn genetic diseases. Identifiers: MedGen C0950123, MeSH D030342.

Allele frequency attached by ClinVar (database versions not stated): gnomAD exomes 0.00026; ExAC 0.00030; ESP Exome Variant Server 0.00106; gnomAD 0.00114 and 0.00124; 1000 Genomes Project 0.00120; TOPMed 0.00136; 1000 Genomes Project 30x 0.00141.
gnomAD v4.1: 346 of 1,614,176 alleles (0.021%); highest among the groups gnomAD compares: African/African-American, 0.43%; 2 homozygotes.

Submissions (4):

Labcorp Genetics (formerly Invitae), Labcorp
Classification: Likely benign. Last evaluated: 2026-01-05. Review status: criteria provided, single submitter. Criteria: Invitae Variant Classification Sherloc (09022015). Collection method: clinical testing. Allele origin: germline.

Blueprint Genetics
Classification: Likely benign. Last evaluated: 2024-08-28. Review status: criteria provided, single submitter. Criteria: ACMG Guidelines, 2015. Collection method: clinical testing. Allele origin: germline.

Ambry Genetics
Classification: Uncertain significance for Inborn genetic diseases. Last evaluated: 2024-05-21. Review status: criteria provided, single submitter. Criteria: Ambry Variant Classification Scheme 2023. Collection method: clinical testing. Allele origin: germline.

PreventionGenetics, part of Exact Sciences
Classification: Likely benign for RP1L1-related condition. Last evaluated: 2022-10-18. Review status: no assertion criteria provided. Collection method: clinical testing. Allele origin: germline. Not counted in ClinVar's aggregate classification.
Comment: This variant is classified as likely benign based on ACMG/AMP sequence variant interpretation guidelines (Richards et al. 2015 PMID: 25741868, with internal and published modifications).